The following is an entry in ClinVar:

ClinVar aggregate classification (germline): Conflicting classifications of pathogenicity. Review status: criteria provided, conflicting classifications (1 of 4 stars). 2 submissions from 2 submitters: Likely pathogenic (1); Uncertain significance (1). Last evaluated 2025-12-12.

Conditions:
Leber congenital amaurosis 1 (LCA1). Also called: AMAUROSIS CONGENITA OF LEBER I; Congenital absence of the rods and cones; Leber's congenital tapetoretinal degeneration; Leber's congenital tapetoretinal dysplasia; RETINAL BLINDNESS, CONGENITAL. Identifiers: Orphanet 65, MedGen C2931258, MONDO:0008764, OMIM 204000.
Cone-rod dystrophy 6 (CORD6). Also called: Cone dystrophy progressive; RETINAL CONE DYSTROPHY 2. Identifiers: Orphanet 1872, MedGen C1866293, MONDO:0011143, OMIM 601777.

Submissions (2):

Pele Pequeno Principe Research Institute, Faculdades Pequeno Principe
Classification: Likely pathogenic for Leber congenital amaurosis 1. Last evaluated: 2025-12-12. Review status: criteria provided, single submitter. Criteria: ACMG Guidelines, 2015. Collection method: research. Allele origin: germline. Inheritance: Autosomal recessive inheritance. Affected: yes. Observed: 1 compound heterozygote.
Comment: The GUCY2D:c.397T>C variant results in the substitution of cysteine by arginine at amino acid position 133 (p.Cys133Arg). Computational prediction tools indicate that this change is deleterious to protein function. According to the Genome Aggregation Database (gnomAD), this variant is absent from population datasets. The association of compound heterozygous pathogenic variants in GUCY2D with Leber congenital amaurosis is well established in the literature (PMID: 38662103).

Labcorp Genetics (formerly Invitae), Labcorp
Classification: Uncertain significance for Leber congenital amaurosis 1; Cone-rod dystrophy 6. Last evaluated: 2024-12-02. Review status: criteria provided, single submitter. Criteria: Invitae Variant Classification Sherloc (09022015). Collection method: clinical testing. Allele origin: germline.
Comment: This sequence change replaces cysteine, which is neutral and slightly polar, with arginine, which is basic and polar, at codon 133 of the GUCY2D protein (p.Cys133Arg). This variant is not present in population databases (gnomAD no frequency). This variant has not been reported in the literature in individuals affected with GUCY2D-related conditions. Invitae Evidence Modeling of protein sequence and biophysical properties (such as structural, functional, and spatial information, amino acid conservation, physicochemical variation, residue mobility, and thermodynamic stability) has been performed for this missense variant. However, the output from this modeling did not meet the statistical confidence thresholds required to predict the impact of this variant on GUCY2D protein function. In summary, the available evidence is currently insufficient to determine the role of this variant in disease. Therefore, it has been classified as a Variant of Uncertain Significance.

Literature cited by the submitters: PubMed 38662103 (cited by Pele Pequeno Principe Research Institute, Faculdades Pequeno Principe).

NM_000180.4(GUCY2D):c.397T>C (p.Cys133Arg)

Gene: GUCY2D (guanylate cyclase 2D, retinal; plus strand). Cytogenetic location: 17p13.1.
Variant type: single nucleotide variant.
Coding change: c.397T>C on transcript NM_000180.4 (MANE Select); coding-DNA position 397, T replaced by C.
Protein change: p.Cys133Arg; replaces cysteine 133 with arginine.
Molecular consequence: missense variant.
Genome position (GRCh38, 1-based): chr17:8,003,444, T>C. VCF-style: chr17-8003444-T-C. GRCh37 (hg19) VCF-style: chr17-7906762-T-C.
Other names: short protein forms C133R.
Identifiers: ClinVar variation 3754636 (VCV003754636.2).